The following is an entry in ClinVar:

NM_001458.5(FLNC):c.6521T>A (p.Leu2174Gln)

Genes: FLNC (filamin C; plus strand), FLNC-AS1 (FLNC antisense RNA 1; minus strand). Cytogenetic location: 7q32.1.
Variant type: single nucleotide variant.
Coding change: c.6521T>A on transcript NM_001458.5 (MANE Select); coding-DNA position 6521, T replaced by A.
Protein change: p.Leu2174Gln; replaces leucine 2174 with glutamine.
Molecular consequence: missense variant.
Genome position (GRCh38, 1-based): chr7:128,854,010, T>A. VCF-style: chr7-128854010-T-A. GRCh37 (hg19) VCF-style: chr7-128494064-T-A.
Other names: c.6422T>A, p.Leu2141Gln (NM_001127487.2); short protein forms L2141Q, L2174Q.
Identifiers: ClinVar variation 3748239 (VCV003748239.2).

ClinVar aggregate classification (germline): Uncertain significance (1 of 4 stars; one submission).

Conditions:
Hypertrophic cardiomyopathy 26. Also called: Cardiomyopathy, familial hypertrophic, 26. Identifiers: Orphanet 75249, MedGen C4310749, MONDO:0014883, OMIM 617047.
Myofibrillar myopathy 5. Also called: Filaminopathy (type); FILAMINOPATHY, AUTOSOMAL DOMINANT. Identifiers: Orphanet 171445, MedGen C1836050, MONDO:0012289, OMIM 609524.
Distal myopathy with posterior leg and anterior hand involvement. Also called: WILLIAMS DISTAL MYOPATHY. Identifiers: Orphanet 63273, MedGen C3279722, MONDO:0013550, OMIM 614065.

Submission:

Labcorp Genetics (formerly Invitae), Labcorp
Classification: Uncertain significance for Distal myopathy with posterior leg and anterior hand involvement; Myofibrillar myopathy 5; Hypertrophic cardiomyopathy 26. Last evaluated: 2024-12-10. Review status: criteria provided, single submitter. Criteria: Invitae Variant Classification Sherloc (09022015). Collection method: clinical testing. Allele origin: germline.
Comment: This sequence change replaces leucine, which is neutral and non-polar, with glutamine, which is neutral and polar, at codon 2174 of the FLNC protein (p.Leu2174Gln). This variant is not present in population databases (gnomAD no frequency). This variant has not been reported in the literature in individuals affected with FLNC-related conditions. An algorithm developed to predict the effect of missense changes on protein structure and function (PolyPhen-2) suggests that this variant is likely to be tolerated. In summary, the available evidence is currently insufficient to determine the role of this variant in disease. Therefore, it has been classified as a Variant of Uncertain Significance.